The following is an entry in ClinVar:

ClinVar aggregate classification (germline): Uncertain significance (1 of 4 stars; one submission).

gnomAD v4.1: 5 of 1,613,924 alleles (0.00031%); highest among the groups gnomAD compares: African/African-American, 0.0067%; no homozygotes.

Submission:

Labcorp Genetics (formerly Invitae), Labcorp
Classification: Uncertain significance. Last evaluated: 2023-12-16. Review status: criteria provided, single submitter. Criteria: Invitae Variant Classification Sherloc (09022015). Collection method: clinical testing. Allele origin: germline.
Comment: This sequence change replaces valine, which is neutral and non-polar, with leucine, which is neutral and non-polar, at codon 176 of the MATN3 protein (p.Val176Leu). This variant is present in population databases (no rsID available, gnomAD 0.008%). This variant has not been reported in the literature in individuals affected with MATN3-related conditions. Advanced modeling of protein sequence and biophysical properties (such as structural, functional, and spatial information, amino acid conservation, physicochemical variation, residue mobility, and thermodynamic stability) performed at Invitae indicates that this missense variant is not expected to disrupt MATN3 protein function with a negative predictive value of 80%. In summary, the available evidence is currently insufficient to determine the role of this variant in disease. Therefore, it has been classified as a Variant of Uncertain Significance.

NM_002381.5(MATN3):c.526G>C (p.Val176Leu)

Gene: MATN3 (matrilin 3; minus strand). Cytogenetic location: 2p24.1.
Variant type: single nucleotide variant.
Coding change: c.526G>C on transcript NM_002381.5 (MANE Select); coding-DNA position 526, G replaced by C.
Protein change: p.Val176Leu; replaces valine 176 with leucine.
Molecular consequence: missense variant.
Genome position (GRCh38, 1-based): chr2:20,006,008, C>G on the plus strand (G>C on the coding strand, the complement: MATN3 is on the minus strand). VCF-style: chr2-20006008-C-G. GRCh37 (hg19) VCF-style: chr2-20205769-C-G.
Other names: short protein forms V176L.
Identifiers: ClinVar variation 3000465 (VCV003000465.3), dbSNP rs200762092, ClinGen allele CA43403846.
Genomic context (GRCh38, chr2:20,006,008, plus strand): 5'-CTGTAACAATGATGGCCACCTTAGGGATGTTAGAAGAGGGCTCTCGAGCCCCTGCCTCCA[C>G]TGTGAAGGCTTCGTCCATTGCTGTCTGGATGGCTAGGCCTGACATGGTGCCTGTTGACAA-3'
Protein context (NP_002372.1, residues 166-186): IQTAMDEAFT[Val176Leu]EAGAREPSSN